The following is an entry in ClinVar:

ClinVar aggregate classification (germline): Pathogenic (1 of 4 stars; one submission).

Conditions:
Creatine transporter deficiency (CCDS1). Also called: CEREBRAL CREATINE DEFICIENCY SYNDROME 1; Mental retardation , X-linked with seizures, short stature and midface hypoplasia; Mental retardation , X-linked, with creatine transport deficiency; X-linked creatine transporter deficiency; X-linked creatine deficiency syndrome; SLC6A8-Related Creatine Transporter Deficiency. Identifiers: Orphanet 52503, MedGen C1845862, MONDO:0010305, OMIM 300352.

Submission:

Labcorp Genetics (formerly Invitae), Labcorp
Classification: Pathogenic for Creatine transporter deficiency. Last evaluated: 2023-03-08. Review status: criteria provided, single submitter. Criteria: Invitae Variant Classification Sherloc (09022015). Collection method: clinical testing. Allele origin: unknown.
Comment: For these reasons, this variant has been classified as Pathogenic. This variant disrupts a region of the SLC6A8 protein in which other variant(s) (p.Pro554Leu) have been determined to be pathogenic (PMID: 15154114, 21836662, 23660394, 25803912). This suggests that this is a clinically significant region of the protein, and that variants that disrupt it are likely to be disease-causing. This variant has not been reported in the literature in individuals affected with SLC6A8-related conditions. This variant is a gross deletion of the genomic region encompassing exon(s) 11-13 of the SLC6A8 gene, which includes the termination codon. This deletion extends beyond the assayed region for this gene and therefore may encompass additional genes. While this deletion is not anticipated to lead to nonsense mediated decay, it is expected to alter mRNA translation or result in a truncated protein product.

Literature cited by the submitters: PubMed 15154114; PubMed 21836662; PubMed 23660394; PubMed 25803912.

NC_000023.10:g.(?_152959968)_(152960669_?)del

Gene: SLC6A8 (solute carrier family 6 member 8; plus strand). Cytogenetic location: Xq28.
Variant type: Deletion.
Identifiers: ClinVar variation 3244849 (VCV003244849.1).